The following is an entry in ClinVar:

NM_001205293.3(CACNA1E):c.2241-2A>G

Gene: CACNA1E (calcium voltage-gated channel subunit alpha1 E; plus strand). Cytogenetic location: 1q25.3.
Variant type: single nucleotide variant.
Coding change: c.2241-2A>G on transcript NM_001205293.3 (MANE Select); the canonical splice acceptor site of the intron before coding-DNA position 2241, A replaced by G.
Molecular consequence: splice acceptor variant. On other transcripts: intron variant (1).
Genome position (GRCh38, 1-based): chr1:181,731,173, A>G. VCF-style: chr1-181731173-A-G. GRCh37 (hg19) VCF-style: chr1-181700309-A-G.
Other names: c.2241-2A>G (NM_000721.4); c.2241-1211A>G (NM_001205294.2).
Identifiers: ClinVar variation 3252485 (VCV003252485.1), dbSNP rs1655440342.
Genomic context (GRCh38, chr1:181,731,173, plus strand): 5'-CTGTGGGGCTTGAGGTTCCTAGAGGTTGGGGTGAACTGAACCTGTCCATTTTTCTTCCCC[A>G]GAAGAGACAGAAGGAGAAGACACCACATGTCGATGTGGGAGCCACGCAGCAGCCACCTGT-3'

ClinVar aggregate classification (germline): Uncertain significance (1 of 4 stars; one submission).

Submission:

GeneDx
Classification: Uncertain significance. Last evaluated: 2023-12-07. Review status: criteria provided, single submitter. Criteria: GeneDx Variant Classification Process June 2021. Collection method: clinical testing. Allele origin: germline. Affected: yes.
Comment: Not observed at significant frequency in large population cohorts (gnomAD); Canonical splice site variant in a gene or region of a gene for which loss of function is not a well-established mechanism of disease; Has not been previously published as pathogenic or benign to our knowledge